The following is an entry in ClinVar:

ClinVar aggregate classification (germline): Pathogenic/Likely pathogenic. Review status: criteria provided, multiple submitters, no conflicts (2 of 4 stars). 6 submissions from 6 submitters: Pathogenic (5); Likely pathogenic (1). Last evaluated 2025-11-26.

Conditions:
Hereditary cancer-predisposing syndrome. Also called: Hereditary Cancer Syndrome; Neoplastic Syndromes, Hereditary; Tumor predisposition; Hereditary neoplastic syndrome. Identifiers: Orphanet 140162, MedGen C0027672, MeSH D009386, MONDO:0015356.
ATM-related cancer predisposition. Also called: ATM-related cancer susceptibility. Identifiers: MedGen CN377759, MONDO:0700270.
Familial cancer of breast. Also called: Hereditary breast cancer; hereditary breast carcinoma; BREAST CANCER, FAMILIAL. Identifiers: Orphanet 227535, MedGen C0346153, MONDO:0016419, OMIM 114480. Disease mechanism: loss of function.
Ataxia-telangiectasia syndrome (AT). Also called: Ataxia-telangiectasia, complementation group D; AT, COMPLEMENTATION GROUP C; LOUIS-BAR SYNDROME; Cerebello-oculocutaneous telangiectasia; Immunodeficiency with ataxia telangiectasia; ATAXIA-TELANGIECTASIA, COMPLEMENTATION GROUP A. Identifiers: Orphanet 100, MedGen C0004135, MONDO:0008840, OMIM 208900.

Submissions (6):

Natera, Inc.
Classification: Likely pathogenic for Ataxia-telangiectasia. Last evaluated: 2025-11-26. Review status: criteria provided, single submitter. Criteria: Natera Variant Classification Schema (03/2026). Collection method: clinical testing. Allele origin: germline.
Comment: The c.4906C>T variant in ATM is a nonsense variant predicted to introduce a stop codon at amino acid 1636. This variant is expected to result in nonsense mediated decay, truncation, or a dysfunctional protein product. This variant is rare in the general population with a frequency below the threshold expected for the associated phenotype(s). Given the available evidence, this variant is classified as Likely Pathogenic.

Labcorp Genetics (formerly Invitae), Labcorp
Classification: Pathogenic for Ataxia-telangiectasia syndrome. Last evaluated: 2025-08-03. Review status: criteria provided, single submitter. Criteria: Invitae Variant Classification Sherloc (09022015). Collection method: clinical testing. Allele origin: germline.
Comment: This sequence change creates a premature translational stop signal (p.Gln1636*) in the ATM gene. It is expected to result in an absent or disrupted protein product. Loss-of-function variants in ATM are known to be pathogenic (PMID: 23807571, 25614872). This variant is not present in population databases (gnomAD no frequency). This premature translational stop signal has been observed in individual(s) with breast cancer (PMID: 36003761). ClinVar contains an entry for this variant (Variation ID: 407602). For these reasons, this variant has been classified as Pathogenic.

GeneDx
Classification: Pathogenic. Last evaluated: 2024-05-03. Review status: criteria provided, single submitter. Criteria: GeneDx Variant Classification Process June 2021. Collection method: clinical testing. Allele origin: germline. Affected: yes.
Comment: Nonsense variant predicted to result in protein truncation or nonsense mediated decay in a gene for which loss of function is a known mechanism of disease; Truncating variants in this gene are considered pathogenic by a well-established clinical consortium and/or database; Not observed at significant frequency in large population cohorts (gnomAD); This variant is associated with the following publications: (PMID: 35155181, 36003761, 36356413)

Myriad Genetics, Inc.
Classification: Pathogenic for Familial cancer of breast. Last evaluated: 2024-01-25. Review status: criteria provided, single submitter. Criteria: Myriad Autosomal Dominant, Autosomal Recessive and X-Linked Classification Criteria (2023). Collection method: clinical testing. Allele origin: unknown.
Comment: This variant is considered pathogenic. This variant creates a termination codon and is predicted to result in premature protein truncation.

Institute for Genomic Medicine (IGM) Clinical Laboratory, Nationwide Children's Hospital
Classification: Pathogenic for ATM-related cancer predisposition. Last evaluated: 2022-08-16. Review status: criteria provided, single submitter. Criteria: ACMG Guidelines, 2015. Collection method: clinical testing. Allele origin: germline.
Comment: This variant is predicted to result in loss of function through nonsense-mediated decay of the encoded transcript or premature truncation of the encoded protein in a gene in which loss of function is a known mechanism of disease (ACMG/AMP: PVS1; PMIDs:15039971, 19691550). This variant has been reported at an elevated frequency in affected individuals/in multiple affected individuals in the literature (ACMG/AMP: PS4_Supporting). This variant is absent from or present at an exceedingly low frequency in gnomAD, a large-scale control population database (ACMG/AMP: PM2).

Color Diagnostics, LLC DBA Color Health
Classification: Pathogenic for Hereditary cancer-predisposing syndrome. Last evaluated: 2019-12-16. Review status: criteria provided, single submitter. Criteria: ACMG Guidelines, 2015. Collection method: clinical testing. Allele origin: germline.
Comment: This variant changes 1 nucleotide in exon 32 of the ATM gene, creating a premature translation stop signal. This variant is expected to result in an absent or non-functional protein product. Splice site prediction tools suggest that this variant may not impact RNA splicing. To our knowledge, functional studies have not been performed for this variant. This variant has not been reported in individuals affected with hereditary cancer in the literature. This variant has not been identified in the general population by the Genome Aggregation Database (gnomAD). Loss of ATM function is a known mechanism of disease. Based on the available evidence, this variant is classified as Pathogenic.

Literature cited by the submitters: PubMed 23807571 (cited by Labcorp Genetics (formerly Invitae), Labcorp); PubMed 25614872 (cited by Labcorp Genetics (formerly Invitae), Labcorp); PubMed 36003761 (cited by Labcorp Genetics (formerly Invitae), Labcorp); PubMed 15039971 (cited by Institute for Genomic Medicine (IGM) Clinical Laboratory, Nationwide Children's Hospital); PubMed 19691550 (cited by Institute for Genomic Medicine (IGM) Clinical Laboratory, Nationwide Children's Hospital).

NM_000051.4(ATM):c.4906C>T (p.Gln1636Ter)

Gene: ATM (ATM serine/threonine kinase; plus strand). Cytogenetic location: 11q22.3.
Variant type: single nucleotide variant.
Coding change: c.4906C>T on transcript NM_000051.4 (MANE Select); coding-DNA position 4906, C replaced by T.
Protein change: p.Gln1636Ter; replaces glutamine 1636 with a stop codon.
Molecular consequence: nonsense.
Genome position (GRCh38, 1-based): chr11:108,295,056, C>T. VCF-style: chr11-108295056-C-T. GRCh37 (hg19) VCF-style: chr11-108165783-C-T.
Other names: c.4906C>T, p.Gln1636Ter (NM_001351834.2); short protein forms Q1636*.
Identifiers: ClinVar variation 407602 (VCV000407602.17), dbSNP rs1060501627, ClinGen allele CA16613152.